The following is an entry in ClinVar:

ClinVar aggregate classification (germline): Likely pathogenic. Review status: criteria provided, single submitter (1 of 4 stars). 2 submissions from 2 submitters: Likely pathogenic (1). 1 of the submissions does not count toward it. Last evaluated 2020-03-03.

Conditions:
Alkaptonuria (AKU). Also called: Homogentisic acidura; Alkaptonuric ochronosis; Alcaptonuria; HOMOGENTISIC ACID OXIDASE DEFICIENCY. Identifiers: Orphanet 56, MedGen C0002066, MONDO:0008753, OMIM 203500.

Submissions (2):

Laboratory of Inherited Metabolic Diseases, Research centre for medical genetics
Classification: Likely pathogenic for Alkaptonuria. Last evaluated: 2020-03-03. Review status: criteria provided, single submitter. Criteria: ACMG Guidelines, 2015. Collection method: clinical testing. Allele origin: biparental. Inheritance: Autosomal recessive inheritance. Affected: yes. Observed: 3 variant alleles.
Comment: Severe damage of the musculoskeletal system

Department Of Human Genetics, Institute Of Clinical And Translational Research, Biomedical Research Center, Slovak Academy Of Sciences
Classification: Pathogenic for Alkaptonuria. Review status: no assertion criteria provided. Collection method: research. Allele origin: germline. Inheritance: Autosomal recessive inheritance. Affected: yes. Observed: 2 variant alleles. Not counted in ClinVar's aggregate classification.
Comment: The variant was originally described in AKU patient in PMID:34504318 and PMID:33621656. It has been submitted to the HGD gene mutation database (DB-ID: AKU_00233).

Literature cited by the submitters: PubMed 34504318 (cited by Department Of Human Genetics, Institute Of Clinical And Translational Research, Biomedical Research Center, Slovak Academy Of Sciences); PubMed 33621656 (cited by Department Of Human Genetics, Institute Of Clinical And Translational Research, Biomedical Research Center, Slovak Academy Of Sciences).

NM_000187.4(HGD):c.665C>A (p.Ala222Asp)

Gene: HGD (homogentisate 1,2-dioxygenase; minus strand). Cytogenetic location: 3q13.33.
Variant type: single nucleotide variant.
Coding change: c.665C>A on transcript NM_000187.4 (MANE Select); coding-DNA position 665, C replaced by A.
Protein change: p.Ala222Asp; replaces alanine 222 with aspartic acid.
Molecular consequence: missense variant.
Genome position (GRCh38, 1-based): chr3:120,644,428, G>T on the plus strand (C>A on the coding strand, the complement: HGD is on the minus strand). VCF-style: chr3-120644428-G-T. GRCh37 (hg19) VCF-style: chr3-120363275-G-T.
Other names: short protein forms A222D.
Identifiers: ClinVar variation 929482 (VCV000929482.2), dbSNP rs1576294110, ClinGen allele CA354075549.